The following is an entry in ClinVar:

NM_000426.4(LAMA2):c.3296A>C (p.Asn1099Thr)

Gene: LAMA2 (laminin subunit alpha 2; plus strand). Cytogenetic location: 6q22.33.
Variant type: single nucleotide variant.
Coding change: c.3296A>C on transcript NM_000426.4 (MANE Select); coding-DNA position 3296, A replaced by C.
Protein change: p.Asn1099Thr; replaces asparagine 1099 with threonine.
Molecular consequence: missense variant.
Genome position (GRCh38, 1-based): chr6:129,312,982, A>C. VCF-style: chr6-129312982-A-C. GRCh37 (hg19) VCF-style: chr6-129634127-A-C.
Other names: c.3296A>C, p.Asn1099Thr (NM_001079823.2); short protein forms N1099T.
Identifiers: ClinVar variation 2052463 (VCV002052463.2), dbSNP rs35065563, ClinGen allele CA365611899.

ClinVar aggregate classification (germline): Uncertain significance (1 of 4 stars; one submission).

Conditions:
LAMA2-related muscular dystrophy (LAMA2-RD). Also called: Laminin alpha 2-related dystrophy. Identifiers: MedGen C5679788, MONDO:0100228.

gnomAD v4.1: 4 of 1,613,984 alleles (0.00025%); highest among the groups gnomAD compares: Admixed American, 0.0017%; no homozygotes.

Submission:

Labcorp Genetics (formerly Invitae), Labcorp
Classification: Uncertain significance for LAMA2-related muscular dystrophy. Last evaluated: 2022-08-22. Review status: criteria provided, single submitter. Criteria: Invitae Variant Classification Sherloc (09022015). Collection method: clinical testing. Allele origin: germline.
Comment: In summary, the available evidence is currently insufficient to determine the role of this variant in disease. Therefore, it has been classified as a Variant of Uncertain Significance. Advanced modeling of protein sequence and biophysical properties (such as structural, functional, and spatial information, amino acid conservation, physicochemical variation, residue mobility, and thermodynamic stability) performed at Invitae indicates that this missense variant is not expected to disrupt LAMA2 protein function. This variant has not been reported in the literature in individuals affected with LAMA2-related conditions. This variant is present in population databases (no rsID available, gnomAD 0.003%). This sequence change replaces asparagine, which is neutral and polar, with threonine, which is neutral and polar, at codon 1099 of the LAMA2 protein (p.Asn1099Thr).